The following is an entry in ClinVar:

ClinVar aggregate classification (germline): Uncertain significance (1 of 4 stars; one submission).

Allele frequency attached by ClinVar (database versions not stated): ExAC 0.00019.
gnomAD v4.1: 32 of 700,288 alleles (0.0046%); highest among the groups gnomAD compares: Non-Finnish European, 0.006%; no homozygotes.

Submission:

Labcorp Genetics (formerly Invitae), Labcorp
Classification: Uncertain significance. Last evaluated: 2024-10-16. Review status: criteria provided, single submitter. Criteria: Invitae Variant Classification Sherloc (09022015). Collection method: clinical testing. Allele origin: germline.
Comment: This variant occurs in the RNU4ATAC gene, which encodes an RNA molecule that does not result in a protein product. This variant is present in population databases (rs556631327, gnomAD 0.01%). This variant has not been reported in the literature in individuals affected with RNU4ATAC-related conditions. ClinVar contains an entry for this variant (Variation ID: 1485968). Experimental studies and prediction algorithms are not available or were not evaluated, and the functional significance of this variant is currently unknown. In summary, the available evidence is currently insufficient to determine the role of this variant in disease. Therefore, it has been classified as a Variant of Uncertain Significance.

NC_000002.12:g.121530943A>G

Genes: RNU4ATAC (RNA, U4atac small nuclear; plus strand), CLASP1 (cytoplasmic linker associated protein 1; minus strand), CLASP1-AS1 (CLASP1 antisense RNA 1; plus strand). Cytogenetic location: 2q14.2.
Variant type: single nucleotide variant.
Molecular consequence: intron variant (on NM_001395891.1).
Genome position: GRCh38 VCF-style: chr2-121530943-A-G. GRCh37 (hg19) VCF-style: chr2-122288519-A-G.
Other names: c.196-618T>C (NM_001142274.2, NM_015282.3, NM_001378003.1 and 5 more transcripts).
Identifiers: ClinVar variation 1485968 (VCV001485968.4), dbSNP rs556631327, ClinGen allele CA1854713.